The following is an entry in ClinVar:

NM_000038.6(APC):c.390T>C (p.Ser130=)

Gene: APC (APC regulator of Wnt signaling pathway; plus strand). Cytogenetic location: 5q22.2.
Variant type: single nucleotide variant.
Coding change: c.390T>C on transcript NM_000038.6 (MANE Select); coding-DNA position 390, T replaced by C.
Protein change: p.Ser130=; no amino-acid change (serine 130 retained).
Molecular consequence: synonymous variant. On other transcripts: 5 prime UTR variant (1).
Genome position (GRCh38, 1-based): chr5:112,767,358, T>C. VCF-style: chr5-112767358-T-C. GRCh37 (hg19) VCF-style: chr5-112103055-T-C.
Other names: c.390T>C, p.Ser130= (NM_001127510.3, NM_001354895.2, NM_001354896.2 and 2 more transcripts); c.420T>C, p.Ser140= (NM_001127511.3, NM_001354897.2, NM_001354902.2); c.315T>C, p.Ser105= (NM_001354898.2, NM_001354904.2); c.213T>C, p.Ser71= (NM_001354900.2, NM_001354901.2, NM_001354905.2); c.-646T>C (NM_001354906.2).
Identifiers: ClinVar variation 631416 (VCV000631416.3), dbSNP rs1561464982, ClinGen allele CA445753412.

ClinVar aggregate classification (germline): Benign/Likely benign. Review status: criteria provided, multiple submitters, no conflicts (2 of 4 stars). 2 submissions from 2 submitters: Benign (1); Likely benign (1). Last evaluated 2024-02-23.

Conditions:
Hereditary cancer-predisposing syndrome. Also called: Tumor predisposition; Neoplastic Syndromes, Hereditary; Hereditary neoplastic syndrome; Hereditary Cancer Syndrome. Identifiers: Orphanet 140162, MedGen C0027672, MeSH D009386, MONDO:0015356.
Familial adenomatous polyposis 1 (FAP1). Also called: POLYPOSIS, ADENOMATOUS INTESTINAL; FAMILIAL ADENOMATOUS POLYPOSIS 1, ATTENUATED. Identifiers: MedGen C2713442, MONDO:0021056, OMIM 175100. Disease mechanism: loss of function.

Submissions (2):

Myriad Genetics, Inc.
Classification: Benign for Familial adenomatous polyposis 1. Last evaluated: 2024-02-23. Review status: criteria provided, single submitter. Criteria: Myriad Autosomal Dominant, Autosomal Recessive and X-Linked Classification Criteria (2023). Collection method: clinical testing. Allele origin: unknown.
Comment: This variant is considered benign. This variant is a silent/synonymous amino acid change and it is not expected to impact splicing.

Color Diagnostics, LLC DBA Color Health
Classification: Likely benign for Hereditary cancer-predisposing syndrome. Last evaluated: 2018-03-09. Review status: criteria provided, single submitter. Criteria: ACMG Guidelines, 2015. Collection method: clinical testing. Allele origin: germline.